The following is an entry in ClinVar:

ClinVar aggregate classification (germline): Pathogenic (1 of 4 stars; one submission).

Conditions:
Glycine encephalopathy. Also called: Nonketotic hyperglycinemia; Non-ketotic hyperglycinemia. Identifiers: Orphanet 407, MedGen C0751748, MONDO:0011612, HP:0008288.

Submission:

Labcorp Genetics (formerly Invitae), Labcorp
Classification: Pathogenic for Glycine encephalopathy. Last evaluated: 2023-12-16. Review status: criteria provided, single submitter. Criteria: Invitae Variant Classification Sherloc (09022015). Collection method: clinical testing. Allele origin: germline.
Comment: This variant is a gross deletion of the genomic region encompassing exon(s) 19-21 of the GLDC gene. This deletion is out-of-frame, and is expected to create a premature termination codon and result in an absent or disrupted protein product. Loss-of-function variants in GLDC are known to be pathogenic (PMID: 16601880). This variant has not been reported in the literature in individuals affected with GLDC-related conditions. For these reasons, this variant has been classified as Pathogenic.

Literature cited by the submitters: PubMed 16601880.

NC_000009.11:g.(?_6550783)_(6554801_?)del

Gene: GLDC (glycine decarboxylase; minus strand). Cytogenetic location: 9p24.1.
Variant type: Deletion.
Identifiers: ClinVar variation 2422516 (VCV002422516.7).